The following is an entry in ClinVar:

NM_001379286.1(ZNF423):c.3364G>A (p.Asp1122Asn)

Gene: ZNF423 (zinc finger protein 423; minus strand). Cytogenetic location: 16q12.1.
Variant type: single nucleotide variant.
Coding change: c.3364G>A on transcript NM_001379286.1 (MANE Select); coding-DNA position 3364, G replaced by A.
Protein change: p.Asp1122Asn; replaces aspartic acid 1122 with asparagine.
Molecular consequence: missense variant.
Genome position (GRCh38, 1-based): chr16:49,635,812, C>T on the plus strand (G>A on the coding strand, the complement: ZNF423 is on the minus strand). VCF-style: chr16-49635812-C-T. GRCh37 (hg19) VCF-style: chr16-49669723-C-T.
Other names: c.3160G>A, p.Asp1054Asn (NM_001271620.2); c.2989G>A, p.Asp997Asn (NM_001330533.2); c.3340G>A, p.Asp1114Asn (NM_015069.5); c.3340G>A (NM_015069.2); short protein forms D1054N, D1114N, D1122N, D997N.
Identifiers: ClinVar variation 1062375 (VCV001062375.11), dbSNP rs771960577, ClinGen allele CA8046320.

ClinVar aggregate classification (germline): Uncertain significance. Review status: criteria provided, multiple submitters, no conflicts (2 of 4 stars). 4 submissions from 4 submitters: Uncertain significance (4). Last evaluated 2024-03-22.

Conditions:
Nephronophthisis 14 (NPHP14). Identifiers: Orphanet 2318, MedGen C3539071, MONDO:0013916, OMIM 614844.

Allele frequency attached by ClinVar (database versions not stated): gnomAD 0.00001; TOPMed 0.00001; ExAC 0.00002; gnomAD exomes 0.00002.
gnomAD v4.1: 11 of 1,610,136 alleles (0.00068%); highest among the groups gnomAD compares: Non-Finnish European, 0.00093%; no homozygotes.

Submissions (4):

Blueprint Genetics
Classification: Uncertain significance. Last evaluated: 2024-03-22. Review status: criteria provided, single submitter. Criteria: ACMG Guidelines, 2015. Collection method: clinical testing. Allele origin: germline.

Ambry Genetics
Classification: Uncertain significance. Last evaluated: 2023-02-23. Review status: criteria provided, single submitter. Criteria: Ambry Variant Classification Scheme 2023. Collection method: clinical testing. Allele origin: germline.

Labcorp Genetics (formerly Invitae), Labcorp
Classification: Uncertain significance for Nephronophthisis 14. Last evaluated: 2022-03-09. Review status: criteria provided, single submitter. Criteria: Invitae Variant Classification Sherloc (09022015). Collection method: clinical testing. Allele origin: germline.
Comment: This variant is present in population databases (rs771960577, gnomAD 0.003%). This variant has not been reported in the literature in individuals affected with ZNF423-related conditions. ClinVar contains an entry for this variant (Variation ID: 1062375). Algorithms developed to predict the effect of missense changes on protein structure and function (SIFT, PolyPhen-2, Align-GVGD) all suggest that this variant is likely to be tolerated. In summary, the available evidence is currently insufficient to determine the role of this variant in disease. Therefore, it has been classified as a Variant of Uncertain Significance. This sequence change replaces aspartic acid, which is acidic and polar, with asparagine, which is neutral and polar, at codon 1114 of the ZNF423 protein (p.Asp1114Asn).

Fulgent Genetics
Classification: Uncertain significance for Nephronophthisis 14. Last evaluated: 2021-12-30. Review status: criteria provided, single submitter. Criteria: ACMG Guidelines, 2015. Collection method: clinical testing. Allele origin: unknown.